The following is an entry in ClinVar:

NM_006329.4(FBLN5):c.894G>A (p.Thr298=)

Gene: FBLN5 (fibulin 5; minus strand). Cytogenetic location: 14q32.12.
Variant type: single nucleotide variant.
Coding change: c.894G>A on transcript NM_006329.4 (MANE Select); coding-DNA position 894, G replaced by A.
Protein change: p.Thr298=; no amino-acid change (threonine 298 retained).
Molecular consequence: synonymous variant.
Genome position (GRCh38, 1-based): chr14:91,881,387, C>T on the plus strand (G>A on the coding strand, the complement: FBLN5 is on the minus strand). VCF-style: chr14-91881387-C-T. GRCh37 (hg19) VCF-style: chr14-92347731-C-T.
Other names: c.1017G>A, p.Thr339= (NM_001384158.1); c.945G>A, p.Thr315= (NM_001384159.1); c.894G>A, p.Thr298= (NM_001384160.1); c.726G>A, p.Thr242= (NM_001384161.1, NM_001384162.1).
Identifiers: ClinVar variation 623854 (VCV000623854.56), dbSNP rs746630839, ClinGen allele CA7312696.

ClinVar aggregate classification (germline): Likely benign. Review status: criteria provided, multiple submitters, no conflicts (2 of 4 stars). 5 submissions from 5 submitters: Likely benign (4). 1 of the submissions does not count toward it. Last evaluated 2026-04-01.

Conditions:
FBLN5-related disorder. Also called: FBLN5-related condition.

Allele frequency attached by ClinVar (database versions not stated): gnomAD exomes 0.00003 and 0.00006; gnomAD 0.00005 and 0.00006; ExAC 0.00007; TOPMed 0.00007.
gnomAD v4.1: 52 of 1,614,060 alleles (0.0032%); highest among the groups gnomAD compares: Middle Eastern, 0.033%; no homozygotes.

Submissions (5):

CeGaT Center for Human Genetics Tuebingen
Classification: Likely benign. Last evaluated: 2026-04-01. Review status: criteria provided, single submitter. Criteria: CeGaT Center For Human Genetics Tuebingen Variant Classification Criteria Version 2. Collection method: clinical testing. Allele origin: germline. Affected: yes. Observed: 2 variant alleles.
Comment: FBLN5: BP4, BP7

Molecular Diagnostic Laboratory for Inherited Cardiovascular Disease, Montreal Heart Institute
Classification: Likely benign. Last evaluated: 2026-03-27. Review status: criteria provided, single submitter. Criteria: ACMG Guidelines, 2015. Collection method: clinical testing. Allele origin: germline. Affected: no.

Labcorp Genetics (formerly Invitae), Labcorp
Classification: Likely benign. Last evaluated: 2025-10-29. Review status: criteria provided, single submitter. Criteria: Invitae Variant Classification Sherloc (09022015). Collection method: clinical testing. Allele origin: germline.

GeneDx
Classification: Likely benign. Last evaluated: 2019-06-11. Review status: criteria provided, single submitter. Criteria: GeneDx Variant Classification Process June 2021. Collection method: clinical testing. Allele origin: germline. Affected: yes.

PreventionGenetics, part of Exact Sciences
Classification: Likely benign for FBLN5-related condition. Last evaluated: 2019-07-02. Review status: no assertion criteria provided. Collection method: clinical testing. Allele origin: germline. Not counted in ClinVar's aggregate classification.
Comment: This variant is classified as likely benign based on ACMG/AMP sequence variant interpretation guidelines (Richards et al. 2015 PMID: 25741868, with internal and published modifications).